The following is an entry in ClinVar:

ClinVar aggregate classification (germline): Benign/Likely benign. Review status: criteria provided, multiple submitters, no conflicts (2 of 4 stars). 3 submissions from 3 submitters: Benign (1); Likely benign (2). Last evaluated 2026-04-20.

Conditions:
DICER1-related tumor predisposition. Also called: DICER1 syndrome; DICER1-related pleuropulmonary blastoma cancer predisposition syndrome. Identifiers: Orphanet 284343, MedGen C3839822, MONDO:0100216.
Hereditary cancer-predisposing syndrome. Also called: Tumor predisposition; Hereditary Cancer Syndrome; Hereditary neoplastic syndrome; Neoplastic Syndromes, Hereditary. Identifiers: Orphanet 140162, MedGen C0027672, MeSH D009386, MONDO:0015356.

Allele frequency attached by ClinVar (database versions not stated): gnomAD exomes below 0.00001.
gnomAD v4.1: 1 of 1,614,122 alleles (0.000062%); highest among the groups gnomAD compares: Non-Finnish European, 0.000085%; no homozygotes.

Submissions (3):

Myriad Genetics, Inc.
Classification: Benign for DICER1-related tumor predisposition. Last evaluated: 2026-04-20. Review status: criteria provided, single submitter. Criteria: Myriad Autosomal Dominant, Autosomal Recessive and X-Linked Classification Criteria (2023). Collection method: clinical testing. Allele origin: unknown.
Comment: This variant is considered benign. This variant is a silent/synonymous amino acid change and it is not expected to impact splicing.

Labcorp Genetics (formerly Invitae), Labcorp
Classification: Likely benign for DICER1-related tumor predisposition. Last evaluated: 2021-07-29. Review status: criteria provided, single submitter. Criteria: Invitae Variant Classification Sherloc (09022015). Collection method: clinical testing. Allele origin: germline.

Ambry Genetics
Classification: Likely benign for Hereditary cancer-predisposing syndrome. Last evaluated: 2019-10-13. Review status: criteria provided, single submitter. Criteria: Ambry Variant Classification Scheme 2023. Collection method: clinical testing. Allele origin: germline.

NM_177438.3(DICER1):c.5242C>T (p.Leu1748=)

Gene: DICER1 (dicer 1, ribonuclease III; minus strand). Cytogenetic location: 14q32.13.
Variant type: single nucleotide variant.
Coding change: c.5242C>T on transcript NM_177438.3 (MANE Select); coding-DNA position 5242, C replaced by T.
Protein change: p.Leu1748=; no amino-acid change (leucine 1748 retained).
Molecular consequence: synonymous variant.
Genome position (GRCh38, 1-based): chr14:95,094,010, G>A on the plus strand (C>T on the coding strand, the complement: DICER1 is on the minus strand). VCF-style: chr14-95094010-G-A. GRCh37 (hg19) VCF-style: chr14-95560347-G-A.
Other names: c.5242C>T, p.Leu1748= (NM_001195573.1, NM_001271282.3, NM_001291628.2 and 1 more transcripts).
Identifiers: ClinVar variation 825584 (VCV000825584.14), dbSNP rs1595330194, ClinGen allele CA487843848.